The following is an entry in ClinVar:

NM_001367624.2(ZNF469):c.5808C>G (p.Asn1936Lys)

Gene: ZNF469 (zinc finger protein 469; plus strand). Cytogenetic location: 16q24.2.
Variant type: single nucleotide variant.
Coding change: c.5808C>G on transcript NM_001367624.2 (MANE Select); coding-DNA position 5808, C replaced by G.
Protein change: p.Asn1936Lys; replaces asparagine 1936 with lysine.
Molecular consequence: missense variant.
Genome position (GRCh38, 1-based): chr16:88,433,278, C>G. VCF-style: chr16-88433278-C-G. GRCh37 (hg19) VCF-style: chr16-88499686-C-G.
Other names: NM_001127464.1:c.5724C>G; short protein forms N1936K.
Identifiers: ClinVar variation 3232830 (VCV003232830.1), dbSNP rs949615807, ClinGen allele CA286380873.

ClinVar aggregate classification (germline): Uncertain significance (1 of 4 stars; one submission).

Conditions:
Cardiovascular phenotype. Identifiers: MedGen CN230736.

gnomAD v4.1: 45 of 1,550,358 alleles (0.0029%); highest among the groups gnomAD compares: Non-Finnish European, 0.0039%; no homozygotes.

Submission:

Ambry Genetics
Classification: Uncertain significance for Cardiovascular phenotype. Last evaluated: 2023-10-08. Review status: criteria provided, single submitter. Criteria: Ambry Variant Classification Scheme 2023. Collection method: clinical testing. Allele origin: germline.
Comment: The p.N1908K variant (also known as c.5724C>G), located in coding exon 2 of the ZNF469 gene, results from a C to G substitution at nucleotide position 5724. The asparagine at codon 1908 is replaced by lysine, an amino acid with similar properties. This amino acid position is conserved. In addition, this alteration is predicted to be tolerated by in silico analysis. Since supporting evidence is limited at this time, the clinical significance of this alteration remains unclear.